The following is an entry in ClinVar:

NM_006206.6(PDGFRA):c.2106G>C (p.Lys702Asn)

Gene: PDGFRA (platelet derived growth factor receptor alpha; plus strand). Cytogenetic location: 4q12.
Variant type: single nucleotide variant.
Coding change: c.2106G>C on transcript NM_006206.6 (MANE Select); coding-DNA position 2106, G replaced by C.
Protein change: p.Lys702Asn; replaces lysine 702 with asparagine.
Molecular consequence: missense variant.
Genome position (GRCh38, 1-based): chr4:54,278,465, G>C. VCF-style: chr4-54278465-G-C. GRCh37 (hg19) VCF-style: chr4-55144632-G-C.
Other names: c.2106G>C, p.Lys702Asn (NM_001347827.2, NM_001347829.2); c.2181G>C, p.Lys727Asn (NM_001347828.2); c.2145G>C, p.Lys715Asn (NM_001347830.2); c.2106G>C (NM_006206.4); short protein forms K702N, K715N, K727N.
Identifiers: ClinVar variation 1510160 (VCV001510160.9), dbSNP rs2110316316, ClinGen allele CA356894062.

ClinVar aggregate classification (germline): Uncertain significance. Review status: criteria provided, multiple submitters, no conflicts (2 of 4 stars). 2 submissions from 2 submitters: Uncertain significance (2). Last evaluated 2026-07-07.

Conditions:
Gastrointestinal stromal tumor. Also called: Gastrointestinal stromal tumor, somatic; Gastrointestinal stroma tumor. Identifiers: Orphanet 44890, MedGen C0238198, MeSH D046152, MONDO:0011719, OMIM 606764, HP:0100723.
Hereditary cancer-predisposing syndrome. Also called: Hereditary Cancer Syndrome; Tumor predisposition; Neoplastic Syndromes, Hereditary; Hereditary neoplastic syndrome. Identifiers: Orphanet 140162, MedGen C0027672, MeSH D009386, MONDO:0015356.

Submissions (2):

Ambry Genetics
Classification: Uncertain significance for Hereditary cancer-predisposing syndrome. Last evaluated: 2026-07-07. Review status: criteria provided, single submitter. Criteria: Ambry Variant Classification Scheme 2023. Collection method: clinical testing. Allele origin: germline.
Comment: The p.K702N variant (also known as c.2106G>C), located in coding exon 14 of the PDGFRA gene, results from a G to C substitution at nucleotide position 2106. The lysine at codon 702 is replaced by asparagine, an amino acid with similar properties. This amino acid position is conserved. In addition, the in silico prediction for this alteration is inconclusive. Based on the available evidence, the clinical significance of this variant remains unclear.

Labcorp Genetics (formerly Invitae), Labcorp
Classification: Uncertain significance for Gastrointestinal stromal tumor. Last evaluated: 2021-02-14. Review status: criteria provided, single submitter. Criteria: Invitae Variant Classification Sherloc (09022015). Collection method: clinical testing. Allele origin: germline.
Comment: In summary, the available evidence is currently insufficient to determine the role of this variant in disease. Therefore, it has been classified as a Variant of Uncertain Significance. Algorithms developed to predict the effect of missense changes on protein structure and function are either unavailable or do not agree on the potential impact of this missense change (SIFT: "Tolerated"; PolyPhen-2: "Probably Damaging"; Align-GVGD: "Class C25"). This variant has not been reported in the literature in individuals with PDGFRA-related conditions. This variant is not present in population databases (ExAC no frequency). This sequence change replaces lysine with asparagine at codon 702 of the PDGFRA protein (p.Lys702Asn). The lysine residue is highly conserved and there is a moderate physicochemical difference between lysine and asparagine.